The following is an entry in ClinVar:

ClinVar aggregate classification (germline): Uncertain significance (1 of 4 stars; one submission).

Conditions:
Chronic myeloid leukemia. Also called: Chronic myelogenous leukemia; Chronic myelogenous leukemia, BCR-ABL1 positive. Identifiers: Orphanet 521, MedGen C0279543, MeSH D015464, MONDO:0011996, OMIM 608232, HP:0005506.
Acute lymphoid leukemia (ALL). Also called: Leukemia, acute lymphoblastic, somatic; Acute lymphoblastic leukemia; Acute lymphocytic leukemia; Lymphoblastic leukemia. Identifiers: Orphanet 513, MedGen C0023449, MONDO:0004967, OMIM 613065, HP:0006721.

Allele frequency attached by ClinVar (database versions not stated): ExAC 0.00001; gnomAD 0.00001; gnomAD exomes 0.00001; TOPMed 0.00002.
gnomAD v4.1: 18 of 1,612,348 alleles (0.0011%); highest among the groups gnomAD compares: Middle Eastern, 0.049%; no homozygotes.

Submission:

Center for Genomics, Ann and Robert H. Lurie Children's Hospital of Chicago
Classification: Uncertain significance for Chronic myeloid leukemia; Acute lymphoid leukemia. Review status: criteria provided, single submitter. Criteria: ACMG Guidelines, 2015. Collection method: clinical testing. Allele origin: germline.
Comment: BCR: NM_004327 exon 1 p.Pro383Pro (c.1149C>T): This variant has not been reported in the literature but is present in 2/109518 European alleles in the Genome Aggregation Database. Evolutionary conservation and computational predictive tools for this variant are limited or unavailable. Of note, this variant is a silent variant and does not change the amino acid, reducing the probability that this variant is disease causing. In summary, data on this variant is insufficient for disease classification. Therefore, the clinical significance of this variant is uncertain.

NM_004327.4(BCR):c.1149C>T (p.Pro383=)

Gene: BCR (BCR activator of RhoGEF and GTPase; plus strand). Cytogenetic location: 22q11.23.
Variant type: single nucleotide variant.
Coding change: c.1149C>T on transcript NM_004327.4 (MANE Select); coding-DNA position 1149, C replaced by T.
Protein change: p.Pro383=; no amino-acid change (proline 383 retained).
Molecular consequence: synonymous variant.
Genome position (GRCh38, 1-based): chr22:23,182,109, C>T. VCF-style: chr22-23182109-C-T. GRCh37 (hg19) VCF-style: chr22-23524296-C-T.
Other names: c.1149C>T, p.Pro383= (NM_021574.3).
Identifiers: ClinVar variation 626065 (VCV000626065.4), dbSNP rs775817981, ClinGen allele CA10141911.